The following is an entry in ClinVar:

NC_012920.1(MT-CO1):m.6570G>T

Gene: MT-CO1 (mitochondrially encoded cytochrome c oxidase I; plus strand).
Variant type: single nucleotide variant.
Genome position: chrM-6570-G-T.
Identifiers: ClinVar variation 692661 (VCV000692661.1), dbSNP rs386828988, ClinGen allele CA414784832.

ClinVar aggregate classification (germline): Benign (1 of 4 stars; one submission).

Conditions:
Leigh syndrome (NULS). Also called: Leigh's necrotizing encephalopathy; Leigh's disease; Leigh Syndrome (mtDNA deletion); Leigh Disease; Subacute necrotizing encephalopathy; Necrotizing encephalopathy infantile subacute of Leigh. Identifiers: Orphanet 506, MedGen C2931891, MONDO:0009723, OMIM 256000.

Submission:

Wong Mito Lab, Molecular and Human Genetics, Baylor College of Medicine
Classification: Benign for Leigh syndrome. Last evaluated: 2019-10-17. Review status: criteria provided, single submitter. Criteria: Modified ACMG Guidelines (Unpublished). Collection method: clinical testing. Allele origin: germline.
Comment: The NC_012920.1:m.6570G>T (YP_003024028.1:p.Ala223Ser) variant in MTCO1 gene is interpretated to be a Benign variant based on the modified ACMG guidelines (unpublished). This variant meets the following evidence codes: BS1, BS2, BP4